The following is an entry in ClinVar:

ClinVar aggregate classification (germline): Conflicting classifications of pathogenicity. Review status: criteria provided, conflicting classifications (1 of 4 stars). 3 submissions from 3 submitters: Uncertain significance (2); Benign (1). Last evaluated 2023-06-12.

Conditions:
CHARGE syndrome (CHARGE). Also called: Coloboma, heart anomaly, choanal atresia, retardation, genital and ear anomalies; CHARGE association; Hall-Hittner syndrome; Hittner Hirsch Kreh syndrome; CHARGE ASSOCIATION--COLOBOMA, HEART ANOMALY, CHOANAL ATRESIA, RETARDATION, GENITAL AND EAR ANOMALIES. Identifiers: Orphanet 138, MedGen C0265354, MONDO:0008965.

Allele frequency attached by ClinVar (database versions not stated): gnomAD exomes below 0.00001; TOPMed below 0.00001.
gnomAD v4.1: 3 of 1,612,564 alleles (0.00019%); highest among the groups gnomAD compares: African/African-American, 0.0013%; no homozygotes.

Submissions (3):

GeneDx
Classification: Uncertain significance. Last evaluated: 2023-06-12. Review status: criteria provided, single submitter. Criteria: GeneDx Variant Classification Process June 2021. Collection method: clinical testing. Allele origin: germline. Affected: yes.
Comment: Not observed at significant frequency in large population cohorts (gnomAD); In silico analysis supports that this missense variant does not alter protein structure/function; Has not been previously published as pathogenic or benign to our knowledge

Labcorp Genetics (formerly Invitae), Labcorp
Classification: Uncertain significance for CHARGE syndrome. Last evaluated: 2022-08-03. Review status: criteria provided, single submitter. Criteria: Invitae Variant Classification Sherloc (09022015). Collection method: clinical testing. Allele origin: germline.
Comment: ClinVar contains an entry for this variant (Variation ID: 1684892). In summary, the available evidence is currently insufficient to determine the role of this variant in disease. Therefore, it has been classified as a Variant of Uncertain Significance. Advanced modeling of protein sequence and biophysical properties (such as structural, functional, and spatial information, amino acid conservation, physicochemical variation, residue mobility, and thermodynamic stability) performed at Invitae indicates that this missense variant is not expected to disrupt CHD7 protein function. This variant has not been reported in the literature in individuals affected with CHD7-related conditions. This variant is not present in population databases (gnomAD no frequency). This sequence change replaces isoleucine, which is neutral and non-polar, with asparagine, which is neutral and polar, at codon 491 of the CHD7 protein (p.Ile491Asn).

Mendelics
Classification: Benign. Last evaluated: 2022-05-04. Review status: criteria provided, single submitter. Criteria: Mendelics Assertion Criteria 2019. Collection method: clinical testing. Allele origin: germline.

NM_017780.4(CHD7):c.1472T>A (p.Ile491Asn)

Gene: CHD7 (chromodomain helicase DNA binding protein 7; plus strand). Cytogenetic location: 8q12.2.
Variant type: single nucleotide variant.
Coding change: c.1472T>A on transcript NM_017780.4 (MANE Select); coding-DNA position 1472, T replaced by A.
Protein change: p.Ile491Asn; replaces isoleucine 491 with asparagine.
Molecular consequence: missense variant.
Genome position (GRCh38, 1-based): chr8:60,742,904, T>A. VCF-style: chr8-60742904-T-A. GRCh37 (hg19) VCF-style: chr8-61655463-T-A.
Other names: c.1472T>A, p.Ile491Asn (NM_001316690.1); c.1472T>A (NM_017780.2); short protein forms I491N.
Identifiers: ClinVar variation 1684892 (VCV001684892.7), dbSNP rs1383452692, ClinGen allele CA371303100.